The following is an entry in ClinVar:

ClinVar aggregate classification (germline): Pathogenic/Likely pathogenic. Review status: criteria provided, multiple submitters, no conflicts (2 of 4 stars). 9 submissions from 9 submitters: Pathogenic (6); Likely pathogenic (1). 2 of the submissions do not count toward it. Last evaluated 2025-12-21.

Conditions:
TGM1-related disorder. Also called: TGM1-related condition.
Lamellar ichthyosis. Identifiers: Orphanet 313, MedGen C5848247, MONDO:0017778.
Autosomal recessive congenital ichthyosis 1 (LI1). Also called: ICHTHYOSIS, CONGENITAL, AUTOSOMAL RECESSIVE 1, WITH OR WITHOUT BATHING SUIT DISTRIBUTION; COLLODION FETUS; DESQUAMATION OF NEWBORN; ICHTHYOSIS CONGENITA; ICHTHYOSIS CONGENITA II; LAMELLAR EXFOLIATION OF NEWBORN. Identifiers: MedGen C4551630, MONDO:0009441, OMIM 242300.

Allele frequency attached by ClinVar (database versions not stated): ExAC 0.00001; TOPMed 0.00002; gnomAD exomes 0.00001; gnomAD 0.00001.
gnomAD v4.1: 11 of 1,613,938 alleles (0.00068%); highest among the groups gnomAD compares: East Asian, 0.0045%; no homozygotes.

Submissions (9):

Labcorp Genetics (formerly Invitae), Labcorp
Classification: Pathogenic. Last evaluated: 2025-12-21. Review status: criteria provided, single submitter. Criteria: Invitae Variant Classification Sherloc (09022015). Collection method: clinical testing. Allele origin: germline.
Comment: This sequence change replaces arginine, which is basic and polar, with cysteine, which is neutral and slightly polar, at codon 142 of the TGM1 protein (p.Arg142Cys). This variant is not present in population databases (gnomAD no frequency). This missense change has been observed in individuals with autosomal recessive congenital ichthyosis syndromes (PMID: 7824952, 9326318, 24314425, 26076875). ClinVar contains an entry for this variant (Variation ID: 12483). Invitae Evidence Modeling of protein sequence and biophysical properties (such as structural, functional, and spatial information, amino acid conservation, physicochemical variation, residue mobility, and thermodynamic stability) indicates that this missense variant is expected to disrupt TGM1 protein function with a positive predictive value of 95%. Experimental studies have shown that this missense change affects TGM1 function (PMID: 20663883, 22258055). For these reasons, this variant has been classified as Pathogenic.

Natera, Inc.
Classification: Pathogenic for Autosomal recessive congenital ichthyosis type 1. Last evaluated: 2024-06-10. Review status: criteria provided, single submitter. Criteria: Natera Variant Classification Schema (03/2026). Collection method: clinical testing. Allele origin: germline.
Comment: The c.424C>T variant in TGM1 is a missense variant predicted to cause substitution of arginine to cysteine at amino acid 142. This variant is rare in the general population with a frequency below the threshold expected for the associated phenotype(s). This variant has been observed in one or more individuals affected with the associated recessive disease, as either homozygous or compound heterozygous with a second variant (PMID: 24314425, 10482949). Given the available evidence, this variant is classified as Pathogenic.

Fulgent Genetics
Classification: Pathogenic for Autosomal recessive congenital ichthyosis 1. Last evaluated: 2024-03-20. Review status: criteria provided, single submitter. Criteria: ACMG Guidelines, 2015. Collection method: clinical testing. Allele origin: germline.

Blueprint Genetics
Classification: Pathogenic for TGM1-related disorders. Last evaluated: 2022-12-15. Review status: criteria provided, single submitter. Criteria: ACMG Guidelines, 2015. Collection method: clinical testing. Allele origin: germline. Affected: yes. Observed: 1 variant allele.

Women's Health and Genetics/Laboratory Corporation of America, LabCorp
Classification: Pathogenic for Lamellar ichthyosis. Last evaluated: 2021-10-19. Review status: criteria provided, single submitter. Criteria: LabCorp Variant Classification Summary - May 2015. Collection method: clinical testing. Allele origin: germline.
Comment: Variant summary: TGM1 c.424C>T (p.Arg142Cys) results in a non-conservative amino acid change located in the Transglutaminase, N-terminal domain (IPR001102) of the encoded protein sequence. Five of five in-silico tools predict a damaging effect of the variant on protein function. The variant was absent in 251442 control chromosomes. c.424C>T has been reported in the literature in multiple individuals affected with Lamellar Ichthyosis (example, Huber_1995, Laiho_1999, Mir-Bonafe_2015). These data indicate that the variant is very likely to be associated with disease. At least one publication reports experimental evidence evaluating an impact on protein function. The most pronounced variant effect results in <10% of normal Transglutaminase enzyme activity in vitro (example, Huber_1997). Two clinical diagnostic laboratories have submitted clinical-significance assessments for this variant to ClinVar after 2014 without evidence for independent evaluation. All laboratories classified the variant as pathogenic/likely pathogenic. Based on the evidence outlined above, the variant was classified as pathogenic.

Genome-Nilou Lab
Classification: Likely pathogenic for Autosomal recessive congenital ichthyosis 1. Review status: criteria provided, single submitter. Criteria: ACMG Guidelines, 2015. Collection method: clinical testing. Allele origin: germline.

Juno Genomics, Hangzhou Juno Genomics, Inc
Classification: Pathogenic for Autosomal recessive congenital ichthyosis 1. Review status: criteria provided, single submitter. Criteria: ACMG Guidelines, 2015. Collection method: clinical testing. Allele origin: germline.
Comment: Absent from controls (or at extremely low frequency if recessive) in Genome Aggregation Database.;Well-established in vitro or in vivo functional studies supportive of a damaging effect on the gene or gene product.;For recessive disorders, detected in trans with a pathogenic variant.;Co-segregation with disease in multiple affected family members.

Counsyl
Classification: Likely pathogenic for Autosomal recessive congenital ichthyosis 1. Last evaluated: 2017-07-19. Review status: no assertion criteria provided. Collection method: clinical testing. Allele origin: unknown. Not counted in ClinVar's aggregate classification.

OMIM
Classification: Pathogenic for ICHTHYOSIS, CONGENITAL, AUTOSOMAL RECESSIVE 1. Last evaluated: 1997-09-01. Review status: no assertion criteria provided. Collection method: literature only. Allele origin: germline. Not counted in ClinVar's aggregate classification.

Literature cited by the submitters: PubMed 7824952 (cited by 4 submitters); PubMed 9326318 (cited by Labcorp Genetics (formerly Invitae), Labcorp and OMIM); PubMed 24314425 (cited by 3 submitters); PubMed 26076875 (cited by 3 submitters); PubMed 20663883 (cited by 3 submitters); PubMed 22258055 (cited by Labcorp Genetics (formerly Invitae), Labcorp and Women's Health and Genetics/Laboratory Corporation of America, LabCorp); PubMed 10482949 (cited by Natera, Inc. and Women's Health and Genetics/Laboratory Corporation of America, LabCorp); PubMed 9261103 (cited by Women's Health and Genetics/Laboratory Corporation of America, LabCorp and Counsyl); PubMed 9593710 (cited by Counsyl); PubMed 25154629 (cited by Counsyl).

NM_000359.3(TGM1):c.424C>T (p.Arg142Cys)

Gene: TGM1 (transglutaminase 1; minus strand). Cytogenetic location: 14q12.
Variant type: single nucleotide variant.
Coding change: c.424C>T on transcript NM_000359.3 (MANE Select); coding-DNA position 424, C replaced by T.
Protein change: p.Arg142Cys; replaces arginine 142 with cysteine.
Molecular consequence: missense variant.
Genome position (GRCh38, 1-based): chr14:24,261,779, G>A on the plus strand (C>T on the coding strand, the complement: TGM1 is on the minus strand). VCF-style: chr14-24261779-G-A. GRCh37 (hg19) VCF-style: chr14-24730985-G-A.
Other names: short protein forms R142C.
Identifiers: ClinVar variation 12483 (VCV000012483.23), dbSNP rs121918716, ClinGen allele CA256461.